The following is an entry in ClinVar:

NM_014946.4(SPAST):c.1730T>G (p.Met577Arg)

Gene: SPAST (spastin; plus strand). Cytogenetic location: 2p22.3.
Variant type: single nucleotide variant.
Coding change: c.1730T>G on transcript NM_014946.4 (MANE Select); coding-DNA position 1730, T replaced by G.
Protein change: p.Met577Arg; replaces methionine 577 with arginine.
Molecular consequence: missense variant. On other transcripts: 3 prime UTR variant (1).
Genome position (GRCh38, 1-based): chr2:32,154,375, T>G. VCF-style: chr2-32154375-T-G. GRCh37 (hg19) VCF-style: chr2-32379444-T-G.
Other names: c.*3T>G (NM_001377959.1); c.1634T>G, p.Met545Arg (NM_199436.2); c.1727T>G, p.Met576Arg (NM_001363823.2); c.1631T>G, p.Met544Arg (NM_001363875.2); short protein forms M577R, M576R, M544R, M545R.
Identifiers: ClinVar variation 448450 (VCV000448450.12), dbSNP rs1553321196, ClinGen allele CA346505502.

ClinVar aggregate classification (germline): Conflicting classifications of pathogenicity. Review status: criteria provided, conflicting classifications (1 of 4 stars). 3 submissions from 3 submitters: Pathogenic (1); Likely pathogenic (1); Uncertain significance (1). Last evaluated 2024-11-18.

Conditions:
Hereditary spastic paraplegia 4. Also called: Spastic Paraplegia 4; Familial spastic paraplegia autosomal dominant 2; Spastic paraplegia 4, autosomal dominant. Identifiers: Orphanet 100985, MedGen C1866855, MONDO:0008438, OMIM 182601.

Submissions (3):

Labcorp Genetics (formerly Invitae), Labcorp
Classification: Pathogenic for Hereditary spastic paraplegia 4. Last evaluated: 2024-11-18. Review status: criteria provided, single submitter. Criteria: Invitae Variant Classification Sherloc (09022015). Collection method: clinical testing. Allele origin: germline.
Comment: This sequence change replaces methionine, which is neutral and non-polar, with arginine, which is basic and polar, at codon 577 of the SPAST protein (p.Met577Arg). This variant is not present in population databases (gnomAD no frequency). This missense change has been observed in individuals with hereditary spastic paraplegia (internal data). It has also been observed to segregate with disease in related individuals. Invitae Evidence Modeling of clinical and family history, age, sex, and reported ancestry of multiple individuals with this SPAST variant has been performed. This variant is expected to be pathogenic with a positive predictive value of at least 99%. This is a validated machine learning model that incorporates the clinical features of 3,690 individuals referred to our laboratory for SPAST testing. ClinVar contains an entry for this variant (Variation ID: 448450). An algorithm developed to predict the effect of missense changes on protein structure and function (PolyPhen-2) suggests that this variant is likely to be tolerated. Algorithms developed to predict the effect of sequence changes on RNA splicing suggest that this variant may disrupt the consensus splice site. For these reasons, this variant has been classified as Pathogenic.

GeneDx
Classification: Uncertain significance. Last evaluated: 2023-05-10. Review status: criteria provided, single submitter. Criteria: GeneDx Variant Classification Process June 2021. Collection method: clinical testing. Allele origin: germline. Affected: yes.
Comment: Not observed at significant frequency in large population cohorts (gnomAD); In silico analysis supports that this missense variant has a deleterious effect on protein structure/function; Has not been previously published as pathogenic or benign to our knowledge; This variant is associated with the following publications: (PMID: 21139634, 26094131)

Athena Diagnostics
Classification: Likely pathogenic. Last evaluated: 2016-07-26. Review status: criteria provided, single submitter. Criteria: Athena Diagnostics Criteria. Collection method: clinical testing. Allele origin: germline.